The following is an entry in ClinVar:

NM_000051.4(ATM):c.8334A>G (p.Glu2778=)

Genes: C11orf65 (chromosome 11 open reading frame 65; minus strand), ATM (ATM serine/threonine kinase; plus strand). Cytogenetic location: 11q22.3.
Variant type: single nucleotide variant.
Coding change: c.8334A>G on transcript NM_000051.4 (MANE Select); coding-DNA position 8334, A replaced by G.
Protein change: p.Glu2778=; no amino-acid change (glutamic acid 2778 retained).
Molecular consequence: synonymous variant. On other transcripts: intron variant (2).
Genome position (GRCh38, 1-based): chr11:108,343,287, A>G. VCF-style: chr11-108343287-A-G. GRCh37 (hg19) VCF-style: chr11-108214014-A-G.
Other names: c.8334A>G, p.Glu2778= (NM_001351834.2); c.641-34216T>C (NM_001330368.2); c.695-7995T>C (NM_001351110.2).
Identifiers: ClinVar variation 1762971 (VCV001762971.3), dbSNP rs2136946469, ClinGen allele CA476672642.
Genomic context (GRCh38, chr11:108,343,287, plus strand): 5'-TCCCCTCTCTCAGCGAAGTGGTGTTCTTGAATGGTGCACAGGAACTGTCCCCATTGGTGA[A>G]TTTCTTGTTAACAATGAAGATGGTGCTCATAAAAGATACAGGCCAAATGATTTCAGTGCC-3'
Protein context (NP_000042.3, residues 2768-2788): EWCTGTVPIG[Glu2778=]FLVNNEDGAH

ClinVar aggregate classification (germline): Conflicting classifications of pathogenicity. Review status: criteria provided, conflicting classifications (1 of 4 stars). 2 submissions from 2 submitters: Uncertain significance (1); Likely benign (1). Last evaluated 2022-04-18.

Conditions:
Hereditary cancer-predisposing syndrome. Also called: Hereditary neoplastic syndrome; Neoplastic Syndromes, Hereditary; Tumor predisposition; Hereditary Cancer Syndrome. Identifiers: Orphanet 140162, MedGen C0027672, MeSH D009386, MONDO:0015356.

Submissions (2):

Color Diagnostics, LLC DBA Color Health
Classification: Likely benign for Hereditary cancer-predisposing syndrome. Last evaluated: 2022-04-18. Review status: criteria provided, single submitter. Criteria: ACMG Guidelines, 2015. Collection method: clinical testing. Allele origin: germline.

Ambry Genetics
Classification: Uncertain significance for Hereditary cancer-predisposing syndrome. Last evaluated: 2021-11-05. Review status: criteria provided, single submitter. Criteria: Ambry Variant Classification Scheme 2023. Collection method: clinical testing. Allele origin: germline.
Comment: The c.8334A>G variant (also known as p.E2778E), located in coding exon 56 of the ATM gene, results from an A to G substitution at nucleotide position 8334. This nucleotide substitution does not change the glutamic acid at codon 2778. This nucleotide position is not well conserved in available vertebrate species. In silico splice site analysis predicts that this alteration will result in the creation or strengthening of a novel splice donor site; however, direct evidence is insufficient at this time (Ambry internal data). Since supporting evidence is limited at this time, the clinical significance of this alteration remains unclear.